The following is an entry in ClinVar:

NM_006939.4(SOS2):c.69G>C (p.Leu23Phe)

Genes: SOS2 (SOS Ras/Rho guanine nucleotide exchange factor 2; minus strand), LOC130055588 (ATAC-STARR-seq lymphoblastoid silent region 5718; plus strand). Cytogenetic location: 14q21.3.
Variant type: single nucleotide variant.
Coding change: c.69G>C on transcript NM_006939.4 (MANE Select); coding-DNA position 69, G replaced by C.
Protein change: p.Leu23Phe; replaces leucine 23 with phenylalanine.
Molecular consequence: missense variant.
Genome position (GRCh38, 1-based): chr14:50,231,215, C>G on the plus strand (G>C on the coding strand, the complement: SOS2 is on the minus strand). VCF-style: chr14-50231215-C-G. GRCh37 (hg19) VCF-style: chr14-50697933-C-G.
Other names: c.69G>C, p.Leu23Phe (NM_001411020.1); short protein forms L23F.
Identifiers: ClinVar variation 2719372 (VCV002719372.3), dbSNP rs1003888969, ClinGen allele CA260739996.

ClinVar aggregate classification (germline): Uncertain significance (1 of 4 stars; one submission).

Conditions:
Noonan syndrome 9 (NS9). Identifiers: Orphanet 648, MedGen C4225282, MONDO:0014691, OMIM 616559.

Allele frequency attached by ClinVar (database versions not stated): gnomAD 0.00001; TOPMed 0.00002; 1000 Genomes Project 30x 0.00016.

Submission:

Labcorp Genetics (formerly Invitae), Labcorp
Classification: Uncertain significance for Noonan syndrome 9. Last evaluated: 2025-01-13. Review status: criteria provided, single submitter. Criteria: Invitae Variant Classification Sherloc (09022015). Collection method: clinical testing. Allele origin: germline.
Comment: This sequence change replaces leucine, which is neutral and non-polar, with phenylalanine, which is neutral and non-polar, at codon 23 of the SOS2 protein (p.Leu23Phe). This variant is not present in population databases (gnomAD no frequency). This variant has not been reported in the literature in individuals affected with SOS2-related conditions. ClinVar contains an entry for this variant (Variation ID: 2719372). Invitae Evidence Modeling of protein sequence and biophysical properties (such as structural, functional, and spatial information, amino acid conservation, physicochemical variation, residue mobility, and thermodynamic stability) indicates that this missense variant is not expected to disrupt SOS2 protein function with a negative predictive value of 95%. In summary, the available evidence is currently insufficient to determine the role of this variant in disease. Therefore, it has been classified as a Variant of Uncertain Significance.